The following is an entry in ClinVar:

ClinVar aggregate classification (germline): Uncertain significance (1 of 4 stars; one submission).

Allele frequency attached by ClinVar (database versions not stated): TOPMed 0.00001.

Submission:

Labcorp Genetics (formerly Invitae), Labcorp
Classification: Uncertain significance. Last evaluated: 2022-06-13. Review status: criteria provided, single submitter. Criteria: Invitae Variant Classification Sherloc (09022015). Collection method: clinical testing. Allele origin: germline.
Comment: This variant has not been reported in the literature in individuals affected with RP1L1-related conditions. In summary, the available evidence is currently insufficient to determine the role of this variant in disease. Therefore, it has been classified as a Variant of Uncertain Significance. Advanced modeling of protein sequence and biophysical properties (such as structural, functional, and spatial information, amino acid conservation, physicochemical variation, residue mobility, and thermodynamic stability) performed at Invitae indicates that this missense variant is not expected to disrupt RP1L1 protein function. ClinVar contains an entry for this variant (Variation ID: 1015832). This variant is present in population databases (no rsID available, gnomAD 0.06%). This sequence change replaces valine, which is neutral and non-polar, with phenylalanine, which is neutral and non-polar, at codon 30 of the RP1L1 protein (p.Val30Phe).

NM_178857.6(RP1L1):c.88G>T (p.Val30Phe)

Gene: RP1L1 (RP1 like 1). Cytogenetic location: 8p23.1.
Variant type: single nucleotide variant.
Coding change: c.88G>T on transcript NM_178857.6 (MANE Select); coding-DNA position 88, G replaced by T.
Protein change: p.Val30Phe; replaces valine 30 with phenylalanine.
Molecular consequence: missense variant.
Genome position (GRCh38, 1-based): chr8:10,623,114, C>A on the plus strand (G>T on the coding strand, the complement: RP1L1 is on the minus strand). VCF-style: chr8-10623114-C-A. GRCh37 (hg19) VCF-style: chr8-10480624-C-A.
Other names: short protein forms V30F.
Identifiers: ClinVar variation 1015832 (VCV001015832.8), dbSNP rs968564698, ClinGen allele CA370301129.